The following is an entry in ClinVar:

NM_001710.5(CFB):c.95G>A (p.Arg32Gln)

Genes: C2 (complement C2; plus strand), CFB (complement factor B; plus strand). Cytogenetic location: 6p21.33.
Variant type: single nucleotide variant.
Coding change: c.95G>A on transcript NM_001710.5; coding-DNA position 95, G replaced by A.
Protein change: p.Arg32Gln; replaces arginine 32 with glutamine.
Molecular consequence: missense variant (on NM_001710.6).
Genome position (GRCh38, 1-based): chr6:31,946,403, G>A. VCF-style: chr6-31946403-G-A. GRCh37 (hg19) VCF-style: chr6-31914180-G-A.
Other names: R8Q; c.95G>A, p.Arg32Gln (NM_001710.6); short protein forms R32Q.
Identifiers: ClinVar variation 16075 (VCV000016075.30), dbSNP rs641153, ClinGen allele CA126178.

ClinVar aggregate classification (germline): Benign/Likely benign. Review status: criteria provided, multiple submitters, no conflicts (2 of 4 stars). 16 submissions from 14 submitters: Benign (8); Likely benign (3). 5 of the submissions do not count toward it. Last evaluated 2026-02-04.

Conditions:
Age related macular degeneration 14. Also called: MACULAR DEGENERATION, AGE-RELATED, 14, REDUCED RISK OF. Identifiers: MedGen C3809653, MONDO:0014207, OMIM 615489.
Complement component 2 deficiency (C2D). Also called: C2 deficiency. Identifiers: MedGen C0398756, MONDO:0009006, OMIM 217000.
Atypical hemolytic-uremic syndrome. Identifiers: Orphanet 2134, MedGen C2931788, MONDO:0016244.
BF*FA/S.
Atypical hemolytic-uremic syndrome with B factor anomaly. Also called: HEMOLYTIC UREMIC SYNDROME, ATYPICAL, SUSCEPTIBILITY TO, 4; AHUS, SUSCEPTIBILITY TO, 4. Identifiers: Orphanet 2134, MedGen C2752038, MONDO:0013042, OMIM 612924.
Factor B fast/slow polymorphism.
Focal segmental glomerulosclerosis (FSGS). Also called: Glomerulosclerosis, focal; Focal sclerosis with hyalinosis. Identifiers: MedGen C0017668, MONDO:0100313, HP:0000097. Disease mechanism: loss of function.

Allele frequency attached by ClinVar (database versions not stated): 1000 Genomes Project 0.11542; ExAC 0.09834; 1000 Genomes Project 30x 0.11415; gnomAD 0.11652 and 0.11820; TOPMed 0.12273.
gnomAD v4.1: 159,488 of 1,612,870 alleles (9.9%); highest among the groups gnomAD compares: African/African-American, 19%; 8,814 homozygotes.

Submissions (16):

Labcorp Genetics (formerly Invitae), Labcorp
Classification: Benign. Last evaluated: 2026-02-04. Review status: criteria provided, single submitter. Criteria: Invitae Variant Classification Sherloc (09022015). Collection method: clinical testing. Allele origin: germline.

Women's Health and Genetics/Laboratory Corporation of America, LabCorp
Classification: Likely benign. Last evaluated: 2026-01-21. Review status: criteria provided, single submitter. Criteria: LabCorp Variant Classification Summary - May 2015. Collection method: clinical testing. Allele origin: germline.

Genomenon, Inc
Classification: Benign for Atypical hemolytic-uremic syndrome. Last evaluated: 2025-09-26. Review status: criteria provided, single submitter. Criteria: Genomenon Sequence Variant Interpretation Standards - Updated. Collection method: curation. Allele origin: germline. Affected: no.
Comment: CFB p.Arg32Gln (c.95G>A) is a missense variant that changes the amino acid at residue 32 from Arginine to Glutamine. This variant is present at high allele frequency in population databases. In conclusion, we classify CFB p.Arg32Gln (c.95G>A) as a benign variant.

Blueprint Genetics
Classification: Likely benign. Last evaluated: 2024-11-27. Review status: criteria provided, single submitter. Criteria: ACMG Guidelines, 2015. Collection method: clinical testing. Allele origin: germline.

Genome Diagnostics Laboratory, The Hospital for Sick Children
Classification: Benign for Focal segmental glomerulosclerosis. Last evaluated: 2022-09-27. Review status: criteria provided, single submitter. Criteria: ACMG Guidelines, 2015. Collection method: clinical testing. Allele origin: germline.

Mayo Clinic Laboratories, Mayo Clinic
Classification: Benign. Last evaluated: 2022-09-22. Review status: criteria provided, single submitter. Criteria: ACMG Guidelines, 2015. Collection method: clinical testing. Allele origin: germline. Observed: 696 variant alleles.
Comment: BA1

Fulgent Genetics
Classification: Benign for Complement component 2 deficiency; Age related macular degeneration 14. Last evaluated: 2022-04-22. Review status: criteria provided, single submitter. Criteria: ACMG Guidelines, 2015. Collection method: clinical testing. Allele origin: unknown.

GeneDx
Classification: Benign. Last evaluated: 2018-11-10. Review status: criteria provided, single submitter. Criteria: GeneDx Variant Classification Process June 2021. Collection method: clinical testing. Allele origin: germline. Affected: yes.
Comment: This variant is associated with the following publications: (PMID: 28173125, 16518403, 19255449, 21555552, 16936732, 23112567, 18806293)

Illumina Laboratory Services, Illumina
Classification: Benign for Atypical hemolytic-uremic syndrome with B factor anomaly. Last evaluated: 2017-04-27. Review status: criteria provided, single submitter. Criteria: ICSL Variant Classification Criteria 13 December 2019. Collection method: clinical testing. Allele origin: germline.
Comment: This variant was observed as part of a predisposition screen in an ostensibly healthy population. A literature search was performed for the gene, cDNA change, and amino acid change (where applicable). Publications were found based on this search. The evidence from the literature, in combination with allele frequency data from public databases where available, was sufficient to rule this variant out of causing disease. Therefore, this variant is classified as benign.

Laboratory for Molecular Medicine, Mass General Brigham Personalized Medicine
Classification: Benign. Last evaluated: 2016-03-28. Review status: criteria provided, single submitter. Criteria: LMM Criteria. Collection method: clinical testing. Allele origin: germline.
Comment: Variant identified in a genome or exome case(s) and assessed due to predicted null impact of the variant or pathogenic assertions in the literature or databases. Disclaimer: This variant has not undergone full assessment. The following are preliminary notes: Frequency

Breakthrough Genomics
Classification: Likely benign. Review status: criteria provided, single submitter. Criteria: ACMG Guidelines, 2015. Collection method: not provided. Allele origin: germline. Inheritance: Autosomal recessive inheritance. Affected: yes.

OMIM
Classification: Benign for BF*FA/S. Last evaluated: 2017-10-30. Review status: no assertion criteria provided. Collection method: literature only. Allele origin: germline. Not counted in ClinVar's aggregate classification.

OMIM
Classification: protective for MACULAR DEGENERATION, AGE-RELATED, 14, REDUCED RISK OF. Last evaluated: 2016-08-12. Review status: no assertion criteria provided. Collection method: literature only. Allele origin: germline. Not counted in ClinVar's aggregate classification.

OMIM
Classification: Benign for FACTOR B FAST-SLOW POLYMORPHISM. Last evaluated: 1994-01-01. Review status: no assertion criteria provided. Collection method: literature only. Allele origin: germline. Not counted in ClinVar's aggregate classification.

Genome Diagnostics Laboratory, University Medical Center Utrecht
Classification: Benign. Review status: no assertion criteria provided. Collection method: clinical testing. Allele origin: germline. Affected: yes. Study: VKGL Data-share Consensus. Not counted in ClinVar's aggregate classification.

Joint Genome Diagnostic Labs from Nijmegen and Maastricht, Radboudumc and MUMC+
Classification: Benign. Review status: no assertion criteria provided. Collection method: clinical testing. Allele origin: germline. Affected: yes. Study: VKGL Data-share Consensus. Not counted in ClinVar's aggregate classification.

Literature cited by the submitters: PubMed 18806293 (cited by Illumina Laboratory Services, Illumina); PubMed 16518403 (cited by Illumina Laboratory Services, Illumina and OMIM); PubMed 6308626 (cited by OMIM); PubMed 8181962 (cited by OMIM); PubMed 2249879 (cited by OMIM); PubMed 16936732 (cited by OMIM).